The following is an entry in ClinVar:

ClinVar aggregate classification (germline): Pathogenic/Likely pathogenic. Review status: criteria provided, multiple submitters, no conflicts (2 of 4 stars). 2 submissions from 2 submitters: Pathogenic (1); Likely pathogenic (1). Last evaluated 2025-03-11.

Conditions:
Developmental and epileptic encephalopathy, 12 (DEE12). Identifiers: MedGen C3150988, MONDO:0013389, OMIM 613722.

Allele frequency attached by ClinVar (database versions not stated): gnomAD exomes below 0.00001; TOPMed below 0.00001.
gnomAD v4.1: 2 of 1,558,638 alleles (0.00013%); highest among the groups gnomAD compares: Non-Finnish European, 0.00017%; no homozygotes.

Submissions (4):

Labcorp Genetics (formerly Invitae), Labcorp
Classification: Likely pathogenic for Developmental and epileptic encephalopathy, 12. Last evaluated: 2025-03-11. Review status: criteria provided, single submitter. Criteria: Invitae Variant Classification Sherloc (09022015). Collection method: clinical testing. Allele origin: germline.
Comment: This sequence change affects a donor splice site in intron 15 of the PNKP gene. It is expected to disrupt RNA splicing. Variants that disrupt the donor or acceptor splice site typically lead to a loss of protein function (PMID: 16199547), and loss-of-function variants in PNKP are known to be pathogenic (PMID: 20118933, 25728773). This variant is not present in population databases (gnomAD no frequency). This variant has not been reported in the literature in individuals affected with PNKP-related conditions. ClinVar contains an entry for this variant (Variation ID: 1323477). Algorithms developed to predict the effect of sequence changes on RNA splicing suggest that this variant may disrupt the consensus splice site. In summary, the currently available evidence indicates that the variant is pathogenic, but additional data are needed to prove that conclusively. Therefore, this variant has been classified as Likely Pathogenic.

Revvity Omics, Revvity
Classification: Pathogenic. Last evaluated: 2020-07-31. Review status: criteria provided, single submitter. Criteria: ACMG Guidelines, 2015. Collection method: clinical testing. Allele origin: germline.

Dr. Peter K. Rogan Lab, Western University
No classification provided (evidence only). Condition: Ovarian serous cystadenocarcinoma. Review status: no classification provided. Collection method: in vitro. Allele origin: not applicable. Functional consequence: retained intron. Not counted in ClinVar's aggregate classification.

Dr. Peter K. Rogan Lab, Western University
No classification provided (evidence only). Condition: Ovarian serous cystadenocarcinoma. Review status: no classification provided. Collection method: in vitro. Allele origin: not applicable. Functional consequence: retained intron. Not counted in ClinVar's aggregate classification.

Literature cited by the submitters: PubMed 16199547 (cited by Labcorp Genetics (formerly Invitae), Labcorp); PubMed 20118933 (cited by Labcorp Genetics (formerly Invitae), Labcorp); PubMed 25728773 (cited by Labcorp Genetics (formerly Invitae), Labcorp).

NM_007254.4(PNKP):c.1386+1G>C

Gene: PNKP (polynucleotide kinase 3'-phosphatase; minus strand). Cytogenetic location: 19q13.33.
Variant type: single nucleotide variant.
Coding change: c.1386+1G>C on transcript NM_007254.4 (MANE Select); the canonical splice donor site of the intron after coding-DNA position 1386, G replaced by C.
Molecular consequence: splice donor variant.
Genome position (GRCh38, 1-based): chr19:49,861,607, C>G on the plus strand (G>C on the coding strand, the complement: PNKP is on the minus strand). VCF-style: chr19-49861607-C-G. GRCh37 (hg19) VCF-style: chr19-50364864-C-G.
Identifiers: ClinVar variation 1323477 (VCV001323477.9), dbSNP rs1057520630, ClinGen allele CA406932960.